The following is an entry in ClinVar:

ClinVar aggregate classification (germline): Uncertain significance (1 of 4 stars; one submission).

Conditions:
Dubin-Johnson syndrome (DJS). Also called: Hyperbilirubinemia type 2; HYPERBILIRUBINEMIA, DUBIN-JOHNSON TYPE; Jaundice, Chronic Idiopathic. Identifiers: Orphanet 234, MedGen C0022350, MONDO:0009380, OMIM 237500.

gnomAD v4.1: 2 of 1,613,944 alleles (0.00012%); highest among the groups gnomAD compares: East Asian, 0.0045%; no homozygotes.

Submission:

Juno Genomics, Hangzhou Juno Genomics, Inc
Classification: Uncertain significance for Dubin-Johnson syndrome. Review status: criteria provided, single submitter. Criteria: ACMG Guidelines, 2015. Collection method: clinical testing. Allele origin: germline. Affected: yes.
Comment: Absent from controls (or at extremely low frequency if recessive) in Genome Aggregation Database, Exome Sequencing Project, 1000 Genomes Project, or Exome Aggregation Consortium.;Multiple lines of computational evidence support a deleterious effect on the gene or gene product (conservation, evolutionary, splicing impact, etc).;For recessive disorders, detected in trans with a pathogenic variant.;Patient's phenotype or family history is highly specific for a disease with a single genetic etiology.

NM_000392.5(ABCC2):c.3612C>A (p.Asn1204Lys)

Gene: ABCC2 (ATP binding cassette subfamily C member 2; plus strand). Cytogenetic location: 10q24.2.
Variant type: single nucleotide variant.
Coding change: c.3612C>A on transcript NM_000392.5 (MANE Select); coding-DNA position 3612, C replaced by A.
Protein change: p.Asn1204Lys; replaces asparagine 1204 with lysine.
Molecular consequence: missense variant.
Genome position (GRCh38, 1-based): chr10:99,836,288, C>A. VCF-style: chr10-99836288-C-A. GRCh37 (hg19) VCF-style: chr10-101596045-C-A.
Other names: short protein forms N1204K.
Identifiers: ClinVar variation 3382330 (VCV003382330.2).